The following is an entry in ClinVar:

NM_022437.3(ABCG8):c.1420G>C (p.Glu474Gln)

Gene: ABCG8 (ATP binding cassette subfamily G member 8; plus strand). Cytogenetic location: 2p21.
Variant type: single nucleotide variant.
Coding change: c.1420G>C on transcript NM_022437.3 (MANE Select); coding-DNA position 1420, G replaced by C.
Protein change: p.Glu474Gln; replaces glutamic acid 474 with glutamine.
Molecular consequence: missense variant.
Genome position (GRCh38, 1-based): chr2:43,874,415, G>C. VCF-style: chr2-43874415-G-C. GRCh37 (hg19) VCF-style: chr2-44101554-G-C.
Other names: c.1417G>C, p.Glu473Gln (NM_001357321.2); short protein forms E474Q, E473Q.
Identifiers: ClinVar variation 4984126 (VCV004984126.1).

ClinVar aggregate classification (germline): Uncertain significance (1 of 4 stars; one submission).

Conditions:
ABCG8-related disorder. Also called: ABCG8-related condition.

Submission:

PreventionGenetics, part of Exact Sciences
Classification: Uncertain significance for ABCG8-related condition. Last evaluated: 2026-06-23. Review status: criteria provided, single submitter. Criteria: ACMG Guidelines, 2015. Collection method: clinical testing. Allele origin: germline.
Comment: The ABCG8 c.1420G>C variant is predicted to result in the amino acid substitution p.Glu474Gln. To our knowledge, this variant has not been reported in the literature or in a large population database (gnomAD), indicating this variant is rare. At this time, the clinical significance of this variant is uncertain due to the absence of conclusive functional and genetic evidence.